The following is an entry in ClinVar:

NM_020831.6(MRTFA):c.1604_1612del (p.Thr535_Ala537del)

Gene: MRTFA (myocardin related transcription factor A; minus strand). Cytogenetic location: 22q13.1.
Variant type: Deletion.
Coding change: c.1604_1612del on transcript NM_020831.6 (MANE Select); coding-DNA positions 1604 to 1612, 9 bases deleted (CGGTGGCCA; older notation c.1604_1612delCGGTGGCCA).
Protein change: p.Thr535_Ala537del.
Molecular consequence: inframe deletion.
Genome position (GRCh38, 1-based): chr22:40,419,126-40,419,134, TGGCCACCG deleted on the plus strand (CGGTGGCCA on the coding strand, the reverse complement: MRTFA is on the minus strand); deleting any 9 consecutive bases within chr22:40,419,126-40,419,142 gives the same sequence; the c. name uses the placement nearest the transcript's 3' end. VCF-style (leftmost placement, unchanged base first): chr22-40419125-CTGGCCACCG-C. GRCh37 (hg19) VCF-style: chr22-40815129-CTGGCCACCG-C.
Other names: c.1304_1312del, p.Thr435_Ala437del (NM_001282660.2); c.1454_1462del, p.Thr485_Ala487del (NM_001282661.3); c.1604_1612del, p.Thr535_Ala537del (NM_001282662.3); c.1409_1417del, p.Thr470_Ala472del (NM_001318139.2).
Identifiers: ClinVar variation 2176667 (VCV002176667.4), dbSNP rs745744064, ClinGen allele CA10249625.

ClinVar aggregate classification (germline): Uncertain significance (1 of 4 stars; one submission).

Submission:

Labcorp Genetics (formerly Invitae), Labcorp
Classification: Uncertain significance. Last evaluated: 2025-11-24. Review status: criteria provided, single submitter. Criteria: Invitae Variant Classification Sherloc (09022015). Collection method: clinical testing. Allele origin: germline.
Comment: This variant, c.1304_1312del, results in the deletion of 3 amino acid(s) of the MKL1 protein (p.Thr435_Ala437del), but otherwise preserves the integrity of the reading frame. This variant is present in population databases (rs745744064, gnomAD 0.009%). This variant has not been reported in the literature in individuals affected with MKL1-related conditions. ClinVar contains an entry for this variant (Variation ID: 2176667). Experimental studies and prediction algorithms are not available or were not evaluated, and the functional significance of this variant is currently unknown. In summary, the available evidence is currently insufficient to determine the role of this variant in disease. Therefore, it has been classified as a Variant of Uncertain Significance.